The following is an entry in ClinVar:

NM_024642.5(GALNT12):c.52C>T (p.Arg18Trp)

Genes: GALNT12 (polypeptide N-acetylgalactosaminyltransferase 12; plus strand), LOC130002222 (ATAC-STARR-seq lymphoblastoid silent region 20123; plus strand). Cytogenetic location: 9q22.33.
Variant type: single nucleotide variant.
Coding change: c.52C>T on transcript NM_024642.5 (MANE Select); coding-DNA position 52, C replaced by T.
Protein change: p.Arg18Trp; replaces arginine 18 with tryptophan.
Molecular consequence: missense variant.
Genome position (GRCh38, 1-based): chr9:98,807,750, C>T. VCF-style: chr9-98807750-C-T. GRCh37 (hg19) VCF-style: chr9-101570032-C-T.
Other names: c.52C>T (NM_024642.4); short protein forms R18W.
Identifiers: ClinVar variation 2675808 (VCV002675808.2), dbSNP rs1835406027, ClinGen allele CA374222128.
Genomic context (GRCh38, chr9:98,807,750, plus strand): 5'-GGCGGGCGCATGTGGGGGCGCACGGCGCGGCGGCGCTGCCCGCGGGAACTGCGGCGCGGC[C>T]GGGAGGCGCTGTTGGTGCTCCTGGCGCTACTGGCGTTGGCCGGGCTGGGCTCGGTGCTGC-3'
Protein context (NP_078918.3, residues 8-28): RRCPRELRRG[Arg18Trp]EALLVLLALL

ClinVar aggregate classification (germline): Uncertain significance. Review status: criteria provided, multiple submitters, no conflicts (2 of 4 stars). 2 submissions from 2 submitters: Uncertain significance (2). Last evaluated 2025-03-28.

Conditions:
Colorectal cancer, susceptibility to, 1. Also called: COLORECTAL ADENOMA AND CANCER, SUSCEPTIBILITY TO; COLORECTAL CANCER, SUSCEPTIBILITY TO, ON CHROMOSOME 9. Identifiers: MedGen C1837315, MONDO:0012132, OMIM 608812.

Submissions (2):

Ambry Genetics
Classification: Uncertain significance. Last evaluated: 2025-03-28. Review status: criteria provided, single submitter. Criteria: Ambry Variant Classification Scheme 2023. Collection method: clinical testing. Allele origin: germline.
Comment: The p.R18W variant (also known as c.52C>T), located in coding exon 1 of the GALNT12 gene, results from a C to T substitution at nucleotide position 52. The arginine at codon 18 is replaced by tryptophan, an amino acid with dissimilar properties. This amino acid position is conserved. In addition, this alteration is predicted to be tolerated by in silico analysis. Based on the available evidence, the clinical significance of this variant remains unclear.

Baylor Genetics
Classification: Uncertain significance for Colorectal cancer, susceptibility to, 1. Last evaluated: 2023-08-22. Review status: criteria provided, single submitter. Criteria: ACMG Guidelines, 2015. Collection method: clinical testing. Allele origin: unknown.